The following is an entry in ClinVar:

ClinVar aggregate classification (germline): Benign. Review status: criteria provided, multiple submitters, no conflicts (2 of 4 stars). 3 submissions from 3 submitters: Benign (2). 1 of the submissions does not count toward it. Last evaluated 2018-05-24.

Conditions:
TEX15-related disorder. Also called: TEX15-related condition.

Allele frequency attached by ClinVar (database versions not stated): 1000 Genomes Project 30x 0.00843; ESP Exome Variant Server 0.00846; TOPMed 0.00940; 1000 Genomes Project 0.00739.
gnomAD v4.1: 2,624 of 1,612,964 alleles (0.16%); highest among the groups gnomAD compares: African/African-American, 3.1%; 37 homozygotes.

Submissions (3):

Labcorp Genetics (formerly Invitae), Labcorp
Classification: Benign. Last evaluated: 2018-05-24. Review status: criteria provided, single submitter. Criteria: Invitae Variant Classification Sherloc (09022015). Collection method: clinical testing. Allele origin: germline.

Breakthrough Genomics
Classification: Benign. Review status: criteria provided, single submitter. Criteria: ACMG Guidelines, 2015. Collection method: not provided. Allele origin: germline. Inheritance: Autosomal recessive inheritance. Affected: yes.

PreventionGenetics, part of Exact Sciences
Classification: Likely benign for TEX15-related condition. Last evaluated: 2019-02-22. Review status: no assertion criteria provided. Collection method: clinical testing. Allele origin: germline. Not counted in ClinVar's aggregate classification.
Comment: This variant is classified as likely benign based on ACMG/AMP sequence variant interpretation guidelines (Richards et al. 2015 PMID: 25741868, with internal and published modifications).

NM_001350162.2(TEX15):c.7045G>A (p.Glu2349Lys)

Gene: TEX15 (testis expressed 15, meiosis and synapsis associated; minus strand). Cytogenetic location: 8p12.
Variant type: single nucleotide variant.
Coding change: c.7045G>A on transcript NM_001350162.2 (MANE Select); coding-DNA position 7045, G replaced by A.
Protein change: p.Glu2349Lys; replaces glutamic acid 2349 with lysine.
Molecular consequence: missense variant.
Genome position (GRCh38, 1-based): chr8:30,843,122, C>T on the plus strand (G>A on the coding strand, the complement: TEX15 is on the minus strand). VCF-style: chr8-30843122-C-T. GRCh37 (hg19) VCF-style: chr8-30700638-C-T.
Other names: c.5896G>A (NM_031271.3); short protein forms E2349K.
Identifiers: ClinVar variation 783521 (VCV000783521.6), dbSNP rs112636382, ClinGen allele CA4702568.